The following is an entry in ClinVar:

ClinVar aggregate classification (germline): Likely benign (1 of 4 stars; one submission).

gnomAD v4.1: 852 of 1,614,094 alleles (0.053%); highest among the groups gnomAD compares: Middle Eastern, 0.12%; 16 homozygotes.

Submission:

CeGaT Center for Human Genetics Tuebingen
Classification: Likely benign. Last evaluated: 2026-06-01. Review status: criteria provided, single submitter. Criteria: CeGaT Center For Human Genetics Tuebingen Variant Classification Criteria Version 2. Collection method: clinical testing. Allele origin: germline. Affected: yes. Observed: 1 variant allele.
Comment: EIF4A2: BP4, BP7

NM_001967.4(EIF4A2):c.141C>G (p.Gly47=)

Gene: EIF4A2 (eukaryotic translation initiation factor 4A2; plus strand). Cytogenetic location: 3q27.3.
Variant type: single nucleotide variant.
Coding change: c.141C>G on transcript NM_001967.4 (MANE Select); coding-DNA position 141, C replaced by G.
Protein change: p.Gly47=; no amino-acid change (glycine 47 retained).
Molecular consequence: synonymous variant.
Genome position (GRCh38, 1-based): chr3:186,784,629, C>G. VCF-style: chr3-186784629-C-G. GRCh37 (hg19) VCF-style: chr3-186502418-C-G.
Identifiers: ClinVar variation 4872467 (VCV004872467.2).
Genomic context (GRCh38, chr3:186,784,629, plus strand): 5'-CTGGAATGAGATTGTTGATAACTTTGATGATATGAATTTAAAGGAGTCTCTCCTTCGTGG[C>G]ATCTATGCTTACGGTTTTGAGAAGCCTTCCGCTATTCAGCAGAGAGCTATTATTCCCTGT-3'
Protein context (NP_001958.2, residues 37-57): DMNLKESLLR[Gly47=]IYAYGFEKPS